The following is an entry in ClinVar:

ClinVar aggregate classification (germline): Conflicting classifications of pathogenicity. Review status: criteria provided, conflicting classifications (1 of 4 stars). 3 submissions from 3 submitters: Uncertain significance (1); Likely benign (2). Last evaluated 2024-03-09.

Conditions:
Doyne honeycomb retinal dystrophy (DHRD). Also called: DOYNE HONEYCOMB DEGENERATION OF RETINA; MALATTIA LEVENTINESE; DRUSEN, RADIAL, AUTOSOMAL DOMINANT. Identifiers: Orphanet 75376, MedGen C1832174, MONDO:0007471, OMIM 126600.

Allele frequency attached by ClinVar (database versions not stated): ExAC 0.00002; gnomAD exomes 0.00004; gnomAD 0.00005 and 0.00006; TOPMed 0.00005.
gnomAD v4.1: 60 of 1,614,114 alleles (0.0037%); highest among the groups gnomAD compares: Non-Finnish European, 0.0047%; no homozygotes.

Submissions (3):

Labcorp Genetics (formerly Invitae), Labcorp
Classification: Uncertain significance. Last evaluated: 2024-03-09. Review status: criteria provided, single submitter. Criteria: Invitae Variant Classification Sherloc (09022015). Collection method: clinical testing. Allele origin: germline.
Comment: This sequence change replaces isoleucine, which is neutral and non-polar, with threonine, which is neutral and polar, at codon 45 of the EFEMP1 protein (p.Ile45Thr). This variant is present in population databases (rs746396165, gnomAD 0.006%). This variant has not been reported in the literature in individuals affected with EFEMP1-related conditions. ClinVar contains an entry for this variant (Variation ID: 336632). Advanced modeling of protein sequence and biophysical properties (such as structural, functional, and spatial information, amino acid conservation, physicochemical variation, residue mobility, and thermodynamic stability) performed at Invitae indicates that this missense variant is not expected to disrupt EFEMP1 protein function with a negative predictive value of 80%. In summary, the available evidence is currently insufficient to determine the role of this variant in disease. Therefore, it has been classified as a Variant of Uncertain Significance.

Blueprint Genetics
Classification: Likely benign. Last evaluated: 2023-09-06. Review status: criteria provided, single submitter. Criteria: ACMG Guidelines, 2015. Collection method: clinical testing. Allele origin: germline.

Illumina Laboratory Services, Illumina
Classification: Likely benign for Doyne honeycomb retinal dystrophy. Last evaluated: 2018-01-13. Review status: criteria provided, single submitter. Criteria: ICSL Variant Classification Criteria 13 December 2019. Collection method: clinical testing. Allele origin: germline.
Comment: This variant was observed in the ICSL laboratory as part of a predisposition screen in an ostensibly healthy population. It had not been previously curated by ICSL or reported in the Human Gene Mutation Database (HGMD: prior to June 1st, 2018), and was therefore a candidate for classification through an automated scoring system. Utilizing variant allele frequency, disease prevalence and penetrance estimates, and inheritance mode, an automated score was calculated to assess if this variant is too frequent to cause the disease. Based on the score and internal cut-off values, a variant classified as likely benign is not then subjected to further curation. The score for this variant resulted in a classification of likely benign for this disease.

NM_001039348.3(EFEMP1):c.134T>C (p.Ile45Thr)

Gene: EFEMP1 (EGF-like fibulin extracellular matrix protein 1; minus strand). Cytogenetic location: 2p16.1.
Variant type: single nucleotide variant.
Coding change: c.134T>C on transcript NM_001039348.3 (MANE Select); coding-DNA position 134, T replaced by C.
Protein change: p.Ile45Thr; replaces isoleucine 45 with threonine.
Molecular consequence: missense variant.
Genome position (GRCh38, 1-based): chr2:55,918,048, A>G on the plus strand (T>C on the coding strand, the complement: EFEMP1 is on the minus strand). VCF-style: chr2-55918048-A-G. GRCh37 (hg19) VCF-style: chr2-56145183-A-G.
Other names: c.134T>C, p.Ile45Thr (NM_001039349.3); short protein forms I45T.
Identifiers: ClinVar variation 336632 (VCV000336632.12), dbSNP rs746396165, ClinGen allele CA1668989.